The following is an entry in ClinVar:

ClinVar aggregate classification (germline): Conflicting classifications of pathogenicity. Review status: criteria provided, conflicting classifications (1 of 4 stars). 5 submissions from 5 submitters: Uncertain significance (4); Likely benign (1). Last evaluated 2026-06-03.

Conditions:
RB1-related disorder. Also called: RB1-related condition.
Hereditary cancer-predisposing syndrome. Also called: Neoplastic Syndromes, Hereditary; Hereditary Cancer Syndrome; Tumor predisposition; Hereditary neoplastic syndrome. Identifiers: Orphanet 140162, MedGen C0027672, MeSH D009386, MONDO:0015356.
Malignant tumor of urinary bladder. Also called: Bladder cancer; Urinary bladder cancer; Urinary Bladder Neoplasms. Identifiers: MedGen C0005684, MONDO:0001187, OMIM 109800.
Retinoblastoma (RB1). Also called: RETINOBLASTOMA, SOMATIC. Identifiers: Orphanet 790, MedGen C0035335, MeSH D012175, MONDO:0008380, OMIM 180200, HP:0009919. Disease mechanism: loss of function. Inheritance: Both sporadic and heritable forms are tested..

Allele frequency attached by ClinVar (database versions not stated): gnomAD 0.00001; gnomAD exomes 0.00002; TOPMed 0.00002; ESP Exome Variant Server 0.00008.
gnomAD v4.1: 30 of 1,613,134 alleles (0.0019%); highest among the groups gnomAD compares: Non-Finnish European, 0.0025%; no homozygotes.

Submissions (5):

PreventionGenetics, part of Exact Sciences
Classification: Uncertain significance for RB1-related condition. Last evaluated: 2026-06-03. Review status: criteria provided, single submitter. Criteria: ACMG Guidelines, 2015. Collection method: clinical testing. Allele origin: germline.
Comment: The RB1 c.1741G>A variant is predicted to result in the amino acid substitution p.Gly581Arg. To our knowledge, this variant has not been reported in the literature or in a large population database (gnomAD), indicating this variant is rare. This variant has conflicting interpretations in ClinVar, ranging from uncertain to likely benign (Variation ID: 819952). At this time, the clinical significance of this variant is uncertain due to the absence of conclusive functional and genetic evidence.

Labcorp Genetics (formerly Invitae), Labcorp
Classification: Likely benign for Retinoblastoma. Last evaluated: 2025-07-13. Review status: criteria provided, single submitter. Criteria: Invitae Variant Classification Sherloc (09022015). Collection method: clinical testing. Allele origin: germline.

All of Us Research Program, National Institutes of Health
Classification: Uncertain significance for Retinoblastoma. Last evaluated: 2024-08-06. Review status: criteria provided, single submitter. Criteria: ACMG Guidelines, 2015. Collection method: clinical testing. Allele origin: germline. Inheritance: Autosomal dominant inheritance. Observed: 3 variant alleles, 3 heterozygotes.
Comment: This missense variant replaces glycine with arginine at codon 581 of the RB1 protein. Computational prediction is inconclusive regarding the impact of this variant on protein structure and function (internally defined REVEL score threshold 0.5 < inconclusive < 0.7, PMID: 27666373). To our knowledge, functional studies have not been reported for this variant. This variant has not been reported in individuals affected with RB1-related disorders in the literature. This variant has not been identified in the general population by the Genome Aggregation Database (gnomAD). The available evidence is insufficient to determine the role of this variant in disease conclusively. Therefore, this variant is classified as a Variant of Uncertain Significance.

This study involves interpretation of variants in research participants for the purpose of population health screening. Participant phenotype was not available at the time of variant classification. Additional details can be found in publication PMID: 35346344, PMCID: PMC8962531

Ambry Genetics
Classification: Uncertain significance for Hereditary cancer-predisposing syndrome. Last evaluated: 2024-04-17. Review status: criteria provided, single submitter. Criteria: Ambry Variant Classification Scheme 2023. Collection method: clinical testing. Allele origin: germline.
Comment: The p.G581R variant (also known as c.1741G>A), located in coding exon 18 of the RB1 gene, results from a G to A substitution at nucleotide position 1741. The glycine at codon 581 is replaced by arginine, an amino acid with dissimilar properties. This amino acid position is highly conserved in available vertebrate species. In addition, this alteration is predicted to be deleterious by in silico analysis. Since supporting evidence is limited at this time, the clinical significance of this alteration remains unclear.

Baylor Genetics
Classification: Uncertain significance for Malignant tumor of urinary bladder. Last evaluated: 2024-02-29. Review status: criteria provided, single submitter. Criteria: ACMG Guidelines, 2015. Collection method: clinical testing. Allele origin: unknown.

NM_000321.3(RB1):c.1741G>A (p.Gly581Arg)

Gene: RB1 (RB transcriptional corepressor 1; plus strand). Cytogenetic location: 13q14.2.
Variant type: single nucleotide variant.
Coding change: c.1741G>A on transcript NM_000321.3 (MANE Select); coding-DNA position 1741, G replaced by A.
Protein change: p.Gly581Arg; replaces glycine 581 with arginine.
Molecular consequence: missense variant.
Genome position (GRCh38, 1-based): chr13:48,453,038, G>A. VCF-style: chr13-48453038-G-A. GRCh37 (hg19) VCF-style: chr13-49027174-G-A.
Other names: short protein forms G581R.
Identifiers: ClinVar variation 819952 (VCV000819952.19), dbSNP rs375645171, ClinGen allele CA249305436.
Genomic context (GRCh38, chr13:48,453,038, plus strand): 5'-TCATGTTTCATATAGGATTCACCTTTATTTGATCTTATTAAACAATCAAAGGACCGAGAA[G>A]GACCAACTGATCACCTTGAATCTGCTTGTCCTCTTAATCTTCCTCTCCAGAATAATCACA-3'
Protein context (NP_000312.2, residues 571-591): DLIKQSKDRE[Gly581Arg]PTDHLESACP